The following is an entry in ClinVar:

ClinVar aggregate classification (germline): Uncertain significance (1 of 4 stars; one submission).

Conditions:
Perlman syndrome (PRLMNS). Identifiers: Orphanet 2849, MedGen C0796113, MONDO:0009965, OMIM 267000.

Submission:

Labcorp Genetics (formerly Invitae), Labcorp
Classification: Uncertain significance for Perlman syndrome. Last evaluated: 2021-09-03. Review status: criteria provided, single submitter. Criteria: Invitae Variant Classification Sherloc (09022015). Collection method: clinical testing. Allele origin: germline.
Comment: In summary, the available evidence is currently insufficient to determine the role of this variant in disease. Therefore, it has been classified as a Variant of Uncertain Significance. Algorithms developed to predict the effect of missense changes on protein structure and function output the following: SIFT: "Tolerated"; PolyPhen-2: "Benign"; Align-GVGD: "Class C0". The isoleucine amino acid residue is found in multiple mammalian species, which suggests that this missense change does not adversely affect protein function. This variant has not been reported in the literature in individuals affected with DIS3L2-related conditions. This variant is not present in population databases (ExAC no frequency). This sequence change replaces valine with isoleucine at codon 525 of the DIS3L2 protein (p.Val525Ile). The valine residue is weakly conserved and there is a small physicochemical difference between valine and isoleucine.

NM_152383.5(DIS3L2):c.1573G>A (p.Val525Ile)

Gene: DIS3L2 (DIS3 like 3'-5' exoribonuclease 2; plus strand). Cytogenetic location: 2q37.1.
Variant type: single nucleotide variant.
Coding change: c.1573G>A on transcript NM_152383.5 (MANE Select); coding-DNA position 1573, G replaced by A.
Protein change: p.Val525Ile; replaces valine 525 with isoleucine.
Molecular consequence: missense variant. On other transcripts: non-coding transcript variant (2).
Genome position (GRCh38, 1-based): chr2:232,263,354, G>A. VCF-style: chr2-232263354-G-A. GRCh37 (hg19) VCF-style: chr2-233128064-G-A.
Other names: c.1573G>A, p.Val525Ile (NM_001257281.2); short protein forms V525I.
Identifiers: ClinVar variation 1415936 (VCV001415936.6), dbSNP rs1559181386, ClinGen allele CA350975554.